The following is an entry in ClinVar:

NM_006205.3(PDE6H):c.232G>A (p.Ala78Thr)

Gene: PDE6H (phosphodiesterase 6H; plus strand). Cytogenetic location: 12p12.3.
Variant type: single nucleotide variant.
Coding change: c.232G>A on transcript NM_006205.3 (MANE Select); coding-DNA position 232, G replaced by A.
Protein change: p.Ala78Thr; replaces alanine 78 with threonine.
Molecular consequence: missense variant.
Genome position (GRCh38, 1-based): chr12:14,981,456, G>A. VCF-style: chr12-14981456-G-A. GRCh37 (hg19) VCF-style: chr12-15134390-G-A.
Other names: short protein forms A78T.
Identifiers: ClinVar variation 2139048 (VCV002139048.1), dbSNP rs199740819, ClinGen allele CA6465914.

ClinVar aggregate classification (germline): Uncertain significance (1 of 4 stars; one submission).

gnomAD v4.1: 61 of 1,612,314 alleles (0.0038%); highest among the groups gnomAD compares: Admixed American, 0.0083%; no homozygotes.

Submission:

Labcorp Genetics (formerly Invitae), Labcorp
Classification: Uncertain significance. Last evaluated: 2022-08-02. Review status: criteria provided, single submitter. Criteria: Invitae Variant Classification Sherloc (09022015). Collection method: clinical testing. Allele origin: germline.
Comment: This sequence change replaces alanine, which is neutral and non-polar, with threonine, which is neutral and polar, at codon 78 of the PDE6H protein (p.Ala78Thr). This variant is present in population databases (rs199740819, gnomAD 0.006%). This variant has not been reported in the literature in individuals affected with PDE6H-related conditions. Algorithms developed to predict the effect of missense changes on protein structure and function are either unavailable or do not agree on the potential impact of this missense change (SIFT: "Deleterious"; PolyPhen-2: "Probably Damaging"; Align-GVGD: "Class C0"). In summary, the available evidence is currently insufficient to determine the role of this variant in disease. Therefore, it has been classified as a Variant of Uncertain Significance.